The following is an entry in ClinVar:

ClinVar aggregate classification (germline): Uncertain significance (1 of 4 stars; one submission).

Submission:

GeneDx
Classification: Uncertain significance. Last evaluated: 2017-05-15. Review status: criteria provided, single submitter. Criteria: GeneDx Variant Classification (06012015). Collection method: clinical testing. Allele origin: germline. Affected: yes.
Comment: \The S242P variant in the PSMB8 gene has not been reported previously as a pathogenic variant, nor as a benign variant, to our knowledge. The S242P variant is not observed in large population cohorts (Lek et al., 2016; 1000 Genomes Consortium et al., 2015; Exome Variant Server). The S242P variant is a non-conservative amino acid substitution, which is likely to impact secondary protein structure as these residues differ in polarity, charge, size and/or other properties. This substitution occurs at a position that is conserved across species. In silico analysis predicts this variant is probably damaging to the protein structure/function. We interpret S242P as a variant of uncertain significance.

NM_148919.4(PSMB8):c.724T>C (p.Ser242Pro)

Gene: PSMB8 (proteasome 20S subunit beta 8; minus strand). Cytogenetic location: 6p21.32.
Variant type: single nucleotide variant.
Coding change: c.724T>C on transcript NM_148919.4 (MANE Select); coding-DNA position 724, T replaced by C.
Protein change: p.Ser242Pro; replaces serine 242 with proline.
Molecular consequence: missense variant.
Genome position (GRCh38, 1-based): chr6:32,841,549, A>G on the plus strand (T>C on the coding strand, the complement: PSMB8 is on the minus strand). VCF-style: chr6-32841549-A-G. GRCh37 (hg19) VCF-style: chr6-32809326-A-G.
Other names: c.712T>C, p.Ser238Pro (NM_004159.5, LRG_1328t2); c.724T>C, p.Ser242Pro (LRG_1328t1); short protein forms S238P, S242P.
Identifiers: ClinVar variation 429759 (VCV000429759.2), dbSNP rs1131691573, ClinGen allele CA363588346.